The following is an entry in ClinVar:

NM_000130.5(F5):c.6415_6416del (p.Gln2139fs)

Gene: F5 (coagulation factor V; minus strand). Cytogenetic location: 1q24.2.
Variant type: Microsatellite.
Coding change: c.6415_6416del on transcript NM_000130.5 (MANE Select); coding-DNA positions 6415 to 6416, 2 bases deleted (CA; older notation c.6415_6416delCA).
Protein change: p.Gln2139fs; shifts the reading frame from glutamine 2139.
Molecular consequence: frameshift variant.
Genome position (GRCh38, 1-based): chr1:169,515,556-169,515,557, TG deleted on the plus strand (CA on the coding strand, the reverse complement: F5 is on the minus strand); deleting any 2 consecutive bases within chr1:169,515,556-169,515,560 gives the same sequence; the c. name uses the placement nearest the transcript's 3' end. VCF-style (leftmost placement, unchanged base first): chr1-169515555-CTG-C. GRCh37 (hg19) VCF-style: chr1-169484793-CTG-C.
Other names: short protein forms Q2139fs.
Identifiers: ClinVar variation 5005173 (VCV005005173.2).

ClinVar aggregate classification (germline): Likely pathogenic (1 of 4 stars; one submission).

Conditions:
Congenital factor V deficiency. Also called: OWREN PARAHEMOPHILIA; PARAHEMOPHILIA; Hereditary factor V deficiency disease; LABILE FACTOR DEFICIENCY. Identifiers: Orphanet 326, MedGen C0015499, MONDO:0009210, OMIM 227400.
Thrombophilia due to activated protein C resistance (THPH2). Also called: Hereditary Resistance to Activated Protein C; PCCF DEFICIENCY; PROC COFACTOR DEFICIENCY; THROMBOPHILIA DUE TO DEFICIENCY OF ACTIVATED PROTEIN C COFACTOR; THROMBOPHILIA V; APC resistance. Identifiers: MedGen C1861171, MONDO:0008560, OMIM 188055. Disease mechanism: loss of function, gain of function.
Budd-Chiari syndrome (BDCHS). Also called: Hepatic vein obstruction. Identifiers: Orphanet 131, MedGen C0856761, MONDO:0010947, OMIM 600880, HP:0002639.
Ischemic stroke. Also called: CEREBROVASCULAR ACCIDENT; Ischemic stroke, susceptibility to. Identifiers: MedGen C0948008, MONDO:1060198, OMIM 601367, HP:0002140.
Pregnancy loss, recurrent, susceptibility to, 1 (RPRGL1). Also called: EMBRYONIC LOSS, RECURRENT; MISCARRIAGE, RECURRENT; STILLBIRTH, RECURRENT; FETAL LOSS, RECURRENT, SUSCEPTIBILITY TO. Identifiers: MedGen C3280670, MONDO:0013727, OMIM 614389.

Submission:

Juno Genomics, Hangzhou Juno Genomics, Inc
Classification: Likely pathogenic for Thrombophilia due to activated protein C resistance; Budd-Chiari syndrome; Pregnancy loss, recurrent, susceptibility to, 1; Ischemic stroke; Congenital factor V deficiency. Review status: criteria provided, single submitter. Criteria: ACMG Guidelines, 2015. Collection method: clinical testing. Allele origin: germline.
Comment: Null variant in a gene where loss of function (LOF) is a known mechanism of disease.;Absent from controls (or at extremely low frequency if recessive) in Genome Aggregation Database.